The following is an entry in ClinVar:

NM_000136.3(FANCC):c.972A>G (p.Glu324=)

Genes: AOPEP (aminopeptidase O (putative); plus strand), FANCC (FA complementation group C; minus strand). Cytogenetic location: 9q22.32.
Variant type: single nucleotide variant.
Coding change: c.972A>G on transcript NM_000136.3 (MANE Select); coding-DNA position 972, A replaced by G.
Protein change: p.Glu324=; no amino-acid change (glutamic acid 324 retained).
Molecular consequence: synonymous variant.
Genome position (GRCh38, 1-based): chr9:95,125,110, T>C on the plus strand (A>G on the coding strand, the complement: FANCC is on the minus strand). VCF-style: chr9-95125110-T-C. GRCh37 (hg19) VCF-style: chr9-97887392-T-C.
Other names: c.972A>G, p.Glu324= (NM_001243743.2, NM_001243744.2).
Identifiers: ClinVar variation 823438 (VCV000823438.14), dbSNP rs1261385032, ClinGen allele CA466099665.

ClinVar aggregate classification (germline): Conflicting classifications of pathogenicity. Review status: criteria provided, conflicting classifications (1 of 4 stars). 3 submissions from 3 submitters: Uncertain significance (1); Likely benign (2). Last evaluated 2023-08-17.

Conditions:
Hereditary cancer-predisposing syndrome. Also called: Tumor predisposition; Hereditary Cancer Syndrome; Neoplastic Syndromes, Hereditary; Hereditary neoplastic syndrome. Identifiers: Orphanet 140162, MedGen C0027672, MeSH D009386, MONDO:0015356.
Fanconi anemia (FA). Also called: Fanconi's anemia. Identifiers: Orphanet 84, MedGen C0015625, MeSH D005199, MONDO:0019391.

Allele frequency attached by ClinVar (database versions not stated): TOPMed below 0.00001.

Submissions (3):

Labcorp Genetics (formerly Invitae), Labcorp
Classification: Likely benign for Fanconi anemia. Last evaluated: 2023-08-17. Review status: criteria provided, single submitter. Criteria: Invitae Variant Classification Sherloc (09022015). Collection method: clinical testing. Allele origin: germline.

Quest Diagnostics Nichols Institute San Juan Capistrano
Classification: Uncertain significance. Last evaluated: 2022-11-21. Review status: criteria provided, single submitter. Criteria: Quest Diagnostics criteria. Collection method: clinical testing. Allele origin: unknown.
Comment: To the best of our knowledge, the variant has not been reported in the published literature. It also has not been reported in large, multi-ethnic general populations. Analysis of this variant using software algorithms for the prediction of the effect of nucleotide changes on splicing yielded predictions that this variant does not affect FANCC mRNA splicing . Based on the available information, we are unable to determine the clinical significance of this variant.

Ambry Genetics
Classification: Likely benign for Hereditary cancer-predisposing syndrome. Last evaluated: 2018-10-30. Review status: criteria provided, single submitter. Criteria: Ambry Variant Classification Scheme 2023. Collection method: clinical testing. Allele origin: germline.